The following is an entry in ClinVar:

NM_023110.3(FGFR1):c.*1770G>A

Genes: FGFR1 (fibroblast growth factor receptor 1; minus strand), LOC102723716 (uncharacterized LOC102723716; minus strand). Cytogenetic location: 8p11.23.
Variant type: single nucleotide variant.
Coding change: c.*1770G>A on transcript NM_023110.3 (MANE Select); 1770 bases downstream of the stop codon, G replaced by A.
Molecular consequence: 3 prime UTR variant.
Genome position (GRCh38, 1-based): chr8:38,411,858, C>T on the plus strand (G>A on the coding strand, the complement: FGFR1 is on the minus strand). VCF-style: chr8-38411858-C-T. GRCh37 (hg19) VCF-style: chr8-38269376-C-T.
Other names: c.*1770G>A (NM_001174063.2, NM_001174064.2, NM_001174065.2 and 6 more transcripts); c.*531G>A (NM_001354367.2, NM_001354369.2, NM_001354370.2).
Identifiers: ClinVar variation 362863 (VCV000362863.5), dbSNP rs183394116, ClinGen allele CA10625372.
Genomic context (GRCh38, chr8:38,411,858, plus strand): 5'-CCCGTTCCTGAGGGACAGGATGGAGTTTGGACAGGAAGAACTGTAAGAAGCCAAGATCTG[C>T]GACAGTCCCAACAAATACAGTCTGGTCACATGGATACAGGAAGGACGATCTGGGGAGGCA-3'

ClinVar aggregate classification (germline): Benign. Review status: criteria provided, single submitter (1 of 4 stars). 4 submissions from 1 submitter: Benign (4). Last evaluated 2018-01-13.

Conditions:
Osteoglophonic dysplasia (OGD). Also called: Osteoglophonic dwarfism. Identifiers: Orphanet 2645, MedGen C0432283, MONDO:0008150, OMIM 166250.
Hypogonadotropic hypogonadism 2 with or without anosmia (HH2). Also called: HYPOGONADOTROPIC HYPOGONADISM 2 WITH OR WITHOUT ANOSMIA, SUSCEPTIBILITY TO; HYPOGONADOTROPIC HYPOGONADISM 2 WITHOUT ANOSMIA, SUSCEPTIBILITY TO; FGFR1-Related GnRH Deficiency (Kallmann Syndrome 2); HYPOGONADOTROPIC HYPOGONADISM 2 WITHOUT ANOSMIA. Identifiers: Orphanet 478, MedGen C1563720, MONDO:0007844, OMIM 147950. Disease mechanism: loss of function.
Trigonocephaly 1 (TRIGNO1). Identifiers: Orphanet 3366, MedGen C0432122, MONDO:0008603, OMIM 190440.
Craniosynostosis syndrome. Also called: Craniosynostosis. Identifiers: Orphanet 1531, MedGen C0010278, MeSH D003398, MONDO:0015469, HP:0001363.

Allele frequency attached by ClinVar (database versions not stated): 1000 Genomes Project 0.00060; 1000 Genomes Project 30x 0.00062; gnomAD 0.00070 and 0.00072; TOPMed 0.00078; gnomAD exomes 0.00090.
gnomAD v4.1: 171 of 228,180 alleles (0.075%); highest among the groups gnomAD compares: Admixed American, 0.13%; no homozygotes.

Submissions (4):

Illumina Laboratory Services, Illumina
Classification: Benign for Hypogonadotropic hypogonadism 2 with or without anosmia. Last evaluated: 2018-01-13. Review status: criteria provided, single submitter. Criteria: ICSL Variant Classification Criteria 13 December 2019. Collection method: clinical testing. Allele origin: germline.
Comment: This variant was observed in the ICSL laboratory as part of a predisposition screen in an ostensibly healthy population. It had not been previously curated by ICSL or reported in the Human Gene Mutation Database (HGMD: prior to June 1st, 2018), and was therefore a candidate for classification through an automated scoring system. Utilizing variant allele frequency, disease prevalence and penetrance estimates, and inheritance mode, an automated score was calculated to assess if this variant is too frequent to cause the disease. Based on the score and internal cut-off values, a variant classified as benign is not then subjected to further curation. The score for this variant resulted in a classification of benign for this disease.

Illumina Laboratory Services, Illumina
Classification: Benign for Craniosynostosis. Last evaluated: 2018-01-13. Review status: criteria provided, single submitter. Criteria: ICSL Variant Classification Criteria 13 December 2019. Collection method: clinical testing. Allele origin: germline.
Comment: the same text as in the submission from Illumina Laboratory Services, Illumina above.

Illumina Laboratory Services, Illumina
Classification: Benign for Trigonocephaly 1. Last evaluated: 2018-01-13. Review status: criteria provided, single submitter. Criteria: ICSL Variant Classification Criteria 13 December 2019. Collection method: clinical testing. Allele origin: germline.
Comment: the same text as in the submission from Illumina Laboratory Services, Illumina above.

Illumina Laboratory Services, Illumina
Classification: Benign for Osteoglophonic dysplasia. Last evaluated: 2018-01-13. Review status: criteria provided, single submitter. Criteria: ICSL Variant Classification Criteria 13 December 2019. Collection method: clinical testing. Allele origin: germline.
Comment: the same text as in the submission from Illumina Laboratory Services, Illumina above.